The following is an entry in ClinVar:

NM_018263.6(ASXL2):c.267T>A (p.Asp89Glu)

Gene: ASXL2 (ASXL transcriptional regulator 2; minus strand). Cytogenetic location: 2p23.3.
Variant type: single nucleotide variant.
Coding change: c.267T>A on transcript NM_018263.6 (MANE Select); coding-DNA position 267, T replaced by A.
Protein change: p.Asp89Glu; replaces aspartic acid 89 with glutamic acid.
Molecular consequence: missense variant.
Genome position (GRCh38, 1-based): chr2:25,799,521, A>T on the plus strand (T>A on the coding strand, the complement: ASXL2 is on the minus strand). VCF-style: chr2-25799521-A-T. GRCh37 (hg19) VCF-style: chr2-26022390-A-T.
Other names: c.93T>A, p.Asp31Glu (NM_001369346.1); short protein forms D31E, D89E.
Identifiers: ClinVar variation 2105301 (VCV002105301.4), dbSNP rs912586455, ClinGen allele CA43734108.
Genomic context (GRCh38, chr2:25,799,521, plus strand): 5'-CTGGGAATCTGACTGACCATCACTGCTTTCTTCTGAACCTTCTGACAGCTCTTTCACCCC[A>T]TCCGGCACATCTTTCTGAAAATGTAGGCATCCAATTAGGATTAATCATTACCATTTAAGC-3'
Protein context (NP_060733.4, residues 79-99): GVYTLKKDVP[Asp89Glu]GVKELSEGSE

ClinVar aggregate classification (germline): Uncertain significance (1 of 4 stars; one submission).

Allele frequency attached by ClinVar (database versions not stated): gnomAD exomes below 0.00001; TOPMed below 0.00001.
gnomAD v4.1: 1 of 1,611,276 alleles (0.000062%); highest among the groups gnomAD compares: South Asian, 0.0011%; no homozygotes.

Submission:

Labcorp Genetics (formerly Invitae), Labcorp
Classification: Uncertain significance. Last evaluated: 2026-01-12. Review status: criteria provided, single submitter. Criteria: Invitae Variant Classification Sherloc (09022015). Collection method: clinical testing. Allele origin: germline.
Comment: This sequence change replaces aspartic acid, which is acidic and polar, with glutamic acid, which is acidic and polar, at codon 89 of the ASXL2 protein (p.Asp89Glu). This variant is not present in population databases (gnomAD no frequency). This variant has not been reported in the literature in individuals affected with ASXL2-related conditions. ClinVar contains an entry for this variant (Variation ID: 2105301). Invitae Evidence Modeling of protein sequence and biophysical properties (such as structural, functional, and spatial information, amino acid conservation, physicochemical variation, residue mobility, and thermodynamic stability) indicates that this missense variant is not expected to disrupt ASXL2 protein function with a negative predictive value of 80%. In summary, the available evidence is currently insufficient to determine the role of this variant in disease. Therefore, it has been classified as a Variant of Uncertain Significance.